The following is an entry in ClinVar:

ClinVar aggregate classification (germline): Uncertain significance. Review status: criteria provided, single submitter (1 of 4 stars). 2 submissions from 2 submitters: Uncertain significance (1). 1 of the submissions does not count toward it. Last evaluated 2023-07-07.

Conditions:
Usher syndrome type 1B (USH1B). Also called: Usher syndrome type IB. Identifiers: MedGen C1848638, MONDO:0700087.

Submissions (2):

Labcorp Genetics (formerly Invitae), Labcorp
Classification: Uncertain significance. Last evaluated: 2023-07-07. Review status: criteria provided, single submitter. Criteria: Invitae Variant Classification Sherloc (09022015). Collection method: clinical testing. Allele origin: germline.
Comment: ClinVar contains an entry for this variant (Variation ID: 1019401). This variant has not been reported in the literature in individuals affected with MYO7A-related conditions. This variant is not present in population databases (gnomAD no frequency). This sequence change replaces leucine, which is neutral and non-polar, with valine, which is neutral and non-polar, at codon 1098 of the MYO7A protein (p.Leu1098Val). Advanced modeling of protein sequence and biophysical properties (such as structural, functional, and spatial information, amino acid conservation, physicochemical variation, residue mobility, and thermodynamic stability) performed at Invitae indicates that this missense variant is not expected to disrupt MYO7A protein function. In summary, the available evidence is currently insufficient to determine the role of this variant in disease. Therefore, it has been classified as a Variant of Uncertain Significance.

Natera, Inc.
Classification: Uncertain significance for Usher syndrome type 1B. Last evaluated: 2021-10-18. Review status: no assertion criteria provided. Collection method: clinical testing. Allele origin: germline. Not counted in ClinVar's aggregate classification.

NM_000260.4(MYO7A):c.3292C>G (p.Leu1098Val)

Gene: MYO7A (myosin VIIA; plus strand). Cytogenetic location: 11q13.5.
Variant type: single nucleotide variant.
Coding change: c.3292C>G on transcript NM_000260.4 (MANE Select); coding-DNA position 3292, C replaced by G.
Protein change: p.Leu1098Val; replaces leucine 1098 with valine.
Molecular consequence: missense variant.
Genome position (GRCh38, 1-based): chr11:77,183,074, C>G. VCF-style: chr11-77183074-C-G. GRCh37 (hg19) VCF-style: chr11-76894119-C-G.
Other names: c.3292C>G, p.Leu1098Val (NM_001127180.2); c.3259C>G, p.Leu1087Val (NM_001369365.1); short protein forms L1087V, L1098V.
Identifiers: ClinVar variation 1019401 (VCV001019401.10), dbSNP rs1591386678, ClinGen allele CA381945376.
Genomic context (GRCh38, chr11:77,183,074, plus strand): 5'-CTCGACATTGCTTTCTGCTCAGCCACTTGACCCTGATCCCTGCTGGTCCTGCAGGCCCAG[C>G]TCCCCGAGGGCCAGAAGAAGAGCAGTGTGAGGCACAAGCTGGTGCATTTGACTCTGAAAA-3'
Protein context (NP_000251.3, residues 1088-1108): QALQGEGEAQ[Leu1098Val]PEGQKKSSVR